The following is an entry in ClinVar:

ClinVar aggregate classification (germline): Likely benign. Review status: criteria provided, multiple submitters, no conflicts (2 of 4 stars). 2 submissions from 2 submitters: Likely benign (2). Last evaluated 2024-05-21.

Conditions:
Ehlers-Danlos syndrome, classic type, 1 (EDSCL1). Also called: EHLERS-DANLOS SYNDROME, GRAVIS TYPE; EHLERS-DANLOS SYNDROME, SEVERE CLASSIC TYPE; EDS I; Ehlers-Danlos Syndrome, Classic Type, COL5A1-Related; Ehlers-Danlos syndrome, type 1. Identifiers: MedGen C0268335, MONDO:0019567, OMIM 130000.

Allele frequency attached by ClinVar (database versions not stated): gnomAD exomes below 0.00001; gnomAD 0.00001 and 0.00002; TOPMed 0.00001.
gnomAD v4.1: 9 of 1,600,850 alleles (0.00056%); highest among the groups gnomAD compares: Admixed American, 0.0017%; no homozygotes.

Submissions (2):

Labcorp Genetics (formerly Invitae), Labcorp
Classification: Likely benign for Ehlers-Danlos syndrome, classic type, 1. Last evaluated: 2024-05-21. Review status: criteria provided, single submitter. Criteria: Invitae Variant Classification Sherloc (09022015). Collection method: clinical testing. Allele origin: germline.

GeneDx
Classification: Likely benign. Last evaluated: 2017-07-12. Review status: criteria provided, single submitter. Criteria: GeneDx Variant Classification (06012015). Collection method: clinical testing. Allele origin: germline. Affected: yes.
Comment: This variant is considered likely benign or benign based on one or more of the following criteria: it is a conservative change, it occurs at a poorly conserved position in the protein, it is predicted to be benign by multiple in silico algorithms, and/or has population frequency not consistent with disease.

NM_000093.5(COL5A1):c.1332+20C>T

Gene: COL5A1 (collagen type V alpha 1 chain; plus strand). Cytogenetic location: 9q34.3.
Variant type: single nucleotide variant.
Coding change: c.1332+20C>T on transcript NM_000093.5 (MANE Select); 20 bases into the intron after coding-DNA position 1332, C replaced by T.
Molecular consequence: intron variant.
Genome position (GRCh38, 1-based): chr9:134,731,683, C>T. VCF-style: chr9-134731683-C-T. GRCh37 (hg19) VCF-style: chr9-137623529-C-T.
Other names: c.1332+20C>T (NM_001278074.1).
Identifiers: ClinVar variation 510767 (VCV000510767.6), dbSNP rs935688642, ClinGen allele CA201108931.
Genomic context (GRCh38, chr9:134,731,683, plus strand): 5'-GGCCGGGAATGCCGGCGAACCAGGATACCATCTATGAAGGGGTGAGAGGGTGCAGGCCCC[C>T]GTTCCGGGTGGGGTTGGGGGGCTGGTGGGGCATCATGGGGGCTCCTGCCCAAGAGCCTCC-3'